The following is an entry in ClinVar:

ClinVar aggregate classification (germline): Conflicting classifications of pathogenicity. Review status: criteria provided, conflicting classifications (1 of 4 stars). 6 submissions from 6 submitters: Uncertain significance (2); Benign (1). 3 of the submissions do not count toward it. Last evaluated 2024-06-29.

Conditions:
Cataract 12 multiple types. Identifiers: Orphanet 91492, MedGen C3808115, MONDO:0012701, OMIM 611597.

Allele frequency attached by ClinVar (database versions not stated): ESP Exome Variant Server 0.00023; gnomAD 0.00023 and 0.00025; TOPMed 0.00025; ExAC 0.00030; gnomAD exomes 0.00030 and 0.00046; 1000 Genomes Project 30x 0.00031; 1000 Genomes Project 0.00040.
gnomAD v4.1: 691 of 1,614,098 alleles (0.043%); highest among the groups gnomAD compares: Non-Finnish European, 0.056%; 1 homozygote.

Submissions (6):

Labcorp Genetics (formerly Invitae), Labcorp
Classification: Uncertain significance for Cataract 12 multiple types. Last evaluated: 2024-06-29. Review status: criteria provided, single submitter. Criteria: Invitae Variant Classification Sherloc (09022015). Collection method: clinical testing. Allele origin: germline.
Comment: This sequence change replaces alanine, which is neutral and non-polar, with valine, which is neutral and non-polar, at codon 372 of the BFSP2 protein (p.Ala372Val). This variant is present in population databases (rs139944598, gnomAD 0.05%). This variant has not been reported in the literature in individuals affected with BFSP2-related conditions. ClinVar contains an entry for this variant (Variation ID: 660770). Advanced modeling of protein sequence and biophysical properties (such as structural, functional, and spatial information, amino acid conservation, physicochemical variation, residue mobility, and thermodynamic stability) performed at Invitae indicates that this missense variant is not expected to disrupt BFSP2 protein function with a negative predictive value of 80%. In summary, the available evidence is currently insufficient to determine the role of this variant in disease. Therefore, it has been classified as a Variant of Uncertain Significance.

Ambry Genetics
Classification: Uncertain significance. Last evaluated: 2021-07-09. Review status: criteria provided, single submitter. Criteria: Ambry Variant Classification Scheme 2023. Collection method: clinical testing. Allele origin: germline.

Illumina Laboratory Services, Illumina
Classification: Benign for Cataract 12 multiple types. Last evaluated: 2018-01-13. Review status: criteria provided, single submitter. Criteria: ICSL Variant Classification Criteria 13 December 2019. Collection method: clinical testing. Allele origin: germline.
Comment: This variant was observed in the ICSL laboratory as part of a predisposition screen in an ostensibly healthy population. It had not been previously curated by ICSL or reported in the Human Gene Mutation Database (HGMD: prior to June 1st, 2018), and was therefore a candidate for classification through an automated scoring system. Utilizing variant allele frequency, disease prevalence and penetrance estimates, and inheritance mode, an automated score was calculated to assess if this variant is too frequent to cause the disease. Based on the score and internal cut-off values, a variant classified as benign is not then subjected to further curation. The score for this variant resulted in a classification of benign for this disease.

Clinical Genetics DNA and cytogenetics Diagnostics Lab, Erasmus MC, Erasmus Medical Center
Classification: Uncertain significance. Review status: no assertion criteria provided. Collection method: clinical testing. Allele origin: germline. Affected: yes. Study: VKGL Data-share Consensus. Not counted in ClinVar's aggregate classification.

Department of Pathology and Laboratory Medicine, Sinai Health System
Classification: Uncertain significance for Cataract 12 multiple types. Review status: no assertion criteria provided. Collection method: clinical testing. Allele origin: unknown. Affected: yes. Study: The Canadian Open Genetics Repository (COGR). Not counted in ClinVar's aggregate classification.
Comment: The BFSP2 p.A372V variant was not identified in the literature but was identified in dbSNP (ID: rs139944598) and ClinVar (classified as uncertain significance by Invitae for cataract 12, multiple types and benign by Illumina for cataract 12, multiple types). The variant was identified in control databases in 81 of 281552 chromosomes at a frequency of 0.0002877, and was observed at the highest frequency in the European (non-Finnish) population in 72 of 128374 chromosomes (freq: 0.0005609) (Genome Aggregation Database March 6, 2019, v2.1.1). The p.A372 residue is conserved in mammals and computational analyses (MUT Assesor, PolyPhen-2, SIFT, MutationTaster, Revel, FATHMM, MetaLR, DANN) suggest that the variant may impact the protein; however, this information is not predictive enough to assume pathogenicity. The variant occurs outside of the splicing consensus sequence and in silico or computational prediction software programs (Splice AI exome) do not predict a difference in splicing. In summary, based on the above information the clinical significance of this variant cannot be determined with certainty at this time. This variant is classified as a variant of uncertain significance.

Diagnostic Laboratory, Department of Genetics, University Medical Center Groningen
Classification: Uncertain significance. Review status: no assertion criteria provided. Collection method: clinical testing. Allele origin: germline. Affected: yes. Study: VKGL Data-share Consensus. Not counted in ClinVar's aggregate classification.

NM_003571.4(BFSP2):c.1115C>T (p.Ala372Val)

Genes: BFSP2 (beaded filament structural protein 2; plus strand), BFSP2-AS1 (BFSP2 antisense RNA 1; minus strand). Cytogenetic location: 3q22.1.
Variant type: single nucleotide variant.
Coding change: c.1115C>T on transcript NM_003571.4 (MANE Select); coding-DNA position 1115, C replaced by T.
Protein change: p.Ala372Val; replaces alanine 372 with valine.
Molecular consequence: missense variant.
Genome position (GRCh38, 1-based): chr3:133,472,436, C>T. VCF-style: chr3-133472436-C-T. GRCh37 (hg19) VCF-style: chr3-133191280-C-T.
Other names: short protein forms A372V.
Identifiers: ClinVar variation 660770 (VCV000660770.17), dbSNP rs139944598, ClinGen allele CA2623458.
Genomic context (GRCh38, chr3:133,472,436, plus strand): 5'-CCAAGCACTGGCATGACATGGAGCTCCAGAACCTGGGCGCTGTGGTCGGCCGGCTGGAGG[C>T]GGAGCTCAGGGAAATCCGAGCGGAGGCGGAGCAGCAGCAACAGGAGCGCGCGCATCTGCT-3'
Protein context (NP_003562.1, residues 362-382): NLGAVVGRLE[Ala372Val]ELREIRAEAE